The following is an entry in ClinVar:

ClinVar aggregate classification (germline): Likely benign. Review status: criteria provided, multiple submitters, no conflicts (2 of 4 stars). 4 submissions from 4 submitters: Likely benign (3). 1 of the submissions does not count toward it. Last evaluated 2025-07-31.

Conditions:
IQCB1-related disorder. Also called: IQCB1-related condition.
Nephronophthisis. Also called: Juvenile Nephronophthisis. Identifiers: Orphanet 655, MedGen C0687120, MONDO:0019005, HP:0000090.

Allele frequency attached by ClinVar (database versions not stated): TOPMed 0.00001; gnomAD exomes 0.00002 and 0.00003; ExAC 0.00005; 1000 Genomes Project 30x 0.00016; 1000 Genomes Project 0.00020.
gnomAD v4.1: 31 of 1,613,578 alleles (0.0019%); highest among the groups gnomAD compares: Middle Eastern, 0.017%; no homozygotes.

Submissions (4):

Labcorp Genetics (formerly Invitae), Labcorp
Classification: Likely benign for Nephronophthisis. Last evaluated: 2025-07-31. Review status: criteria provided, single submitter. Criteria: Invitae Variant Classification Sherloc (09022015). Collection method: clinical testing. Allele origin: germline.

Blueprint Genetics
Classification: Likely benign. Last evaluated: 2024-08-06. Review status: criteria provided, single submitter. Criteria: ACMG Guidelines, 2015. Collection method: clinical testing. Allele origin: germline.

Breakthrough Genomics
Classification: Likely benign. Review status: criteria provided, single submitter. Criteria: ACMG Guidelines, 2015. Collection method: not provided. Allele origin: germline. Inheritance: Autosomal recessive inheritance. Affected: yes.

PreventionGenetics, part of Exact Sciences
Classification: Likely benign for IQCB1-related condition. Last evaluated: 2021-07-05. Review status: no assertion criteria provided. Collection method: clinical testing. Allele origin: germline. Not counted in ClinVar's aggregate classification.
Comment: This variant is classified as likely benign based on ACMG/AMP sequence variant interpretation guidelines (Richards et al. 2015 PMID: 25741868, with internal and published modifications).

NM_001023570.4(IQCB1):c.1191T>C (p.His397=)

Gene: IQCB1 (IQ motif containing B1; minus strand). Cytogenetic location: 3q13.33.
Variant type: single nucleotide variant.
Coding change: c.1191T>C on transcript NM_001023570.4 (MANE Select); coding-DNA position 1191, T replaced by C.
Protein change: p.His397=; no amino-acid change (histidine 397 retained).
Molecular consequence: synonymous variant. On other transcripts: non-coding transcript variant (1).
Genome position (GRCh38, 1-based): chr3:121,788,371, A>G on the plus strand (T>C on the coding strand, the complement: IQCB1 is on the minus strand). VCF-style: chr3-121788371-A-G. GRCh37 (hg19) VCF-style: chr3-121507218-A-G.
Other names: c.792T>C, p.His264= (NM_001023571.4); c.1191T>C, p.His397= (NM_001319107.2); c.1191T>C (NM_001023570.3).
Identifiers: ClinVar variation 1133063 (VCV001133063.13), dbSNP rs556134592, ClinGen allele CA2567174.